The following is an entry in ClinVar:

NM_014176.3(UBE2T):c.-65+1253_*12383del

Genes: LGR6 (leucine rich repeat containing G protein-coupled receptor 6; plus strand), UBE2T (ubiquitin conjugating enzyme E2 T; minus strand). Cytogenetic location: 1q32.1.
Variant type: Deletion.
Coding change: c.-65+1253_*12383del on transcript NM_014176.3; 1253 bases into the intron after 65 bases upstream of the start codon through 12383 bases downstream of the stop codon, this stretch deleted.
Identifiers: ClinVar variation 929630 (VCV000929630.1).

ClinVar aggregate classification (germline): Pathogenic (0 of 4 stars; one submission).

Conditions:
Fanconi anemia complementation group T. Identifiers: Orphanet 84, MedGen C4084840, MONDO:0014638, OMIM 616435.

Submission:

Leiden Open Variation Database
Classification: Pathogenic for Fanconi anemia complementation group T. Last evaluated: 2015-07-19. Review status: no assertion criteria provided. Collection method: curation. Allele origin: germline. Affected: yes.
Comment: Curator: Arleen D. Auerbach. Submitter to LOVD: Johan den Dunnen.

Literature cited by the submitters: PubMed 26046368.